The following is an entry in ClinVar:

ClinVar aggregate classification (germline): Conflicting classifications of pathogenicity. Review status: criteria provided, conflicting classifications (1 of 4 stars). 6 submissions from 6 submitters: Uncertain significance (2); Likely benign (3). 1 of the submissions does not count toward it. Last evaluated 2026-02-10.

Conditions:
Kostmann syndrome (SCN3). Also called: KOSTMANN DISEASE; Autosomal recessive severe congenital neutropenia type 3. Identifiers: Orphanet 99749, MedGen C5235141, MONDO:0012548, OMIM 610738.

Allele frequency attached by ClinVar (database versions not stated): gnomAD 0.00016 and 0.00019; gnomAD exomes 0.00018; 1000 Genomes Project 0.00020; TOPMed 0.00022; ESP Exome Variant Server 0.00023; ExAC 0.00026; 1000 Genomes Project 30x 0.00031.

Submissions (6):

Women's Health and Genetics/Laboratory Corporation of America, LabCorp
Classification: Likely benign. Last evaluated: 2026-02-10. Review status: criteria provided, single submitter. Criteria: LabCorp Variant Classification Summary - May 2015. Collection method: clinical testing. Allele origin: germline.
Comment: Variant summary: HAX1 c.593C>T (p.Pro198Leu) results in a non-conservative amino acid change in the encoded protein sequence. Algorithms developed to predict the effect of missense changes on protein structure and function are either unavailable or do not agree on the potential impact of this missense change. The variant allele was found at a frequency of 0.00018 in 251334 control chromosomes, predominantly at a frequency of 0.0016 within the East Asian subpopulation in the gnomAD database. The observed variant frequency within East Asian control individuals in the gnomAD database exceeds the estimated maximal expected allele frequency for disease-causing variants in HAX1. To our knowledge, no occurrence of c.593C>T in individuals affected with HAX1-related conditions and no experimental evidence demonstrating its impact on protein function have been reported. ClinVar contains an entry for this variant (Variation ID: 292707). Based on the evidence outlined above, the variant was classified as likely benign.

Labcorp Genetics (formerly Invitae), Labcorp
Classification: Likely benign for Kostmann syndrome. Last evaluated: 2026-01-24. Review status: criteria provided, single submitter. Criteria: Invitae Variant Classification Sherloc (09022015). Collection method: clinical testing. Allele origin: germline.

Blueprint Genetics
Classification: Likely benign. Last evaluated: 2024-06-13. Review status: criteria provided, single submitter. Criteria: ACMG Guidelines, 2015. Collection method: clinical testing. Allele origin: germline.

Fulgent Genetics
Classification: Uncertain significance for Kostmann syndrome. Last evaluated: 2024-01-17. Review status: criteria provided, single submitter. Criteria: ACMG Guidelines, 2015. Collection method: clinical testing. Allele origin: germline.

Illumina Laboratory Services, Illumina
Classification: Uncertain significance for Kostmann syndrome. Last evaluated: 2018-01-13. Review status: criteria provided, single submitter. Criteria: ICSL Variant Classification Criteria 13 December 2019. Collection method: clinical testing. Allele origin: germline.

Natera, Inc.
Classification: Likely benign for Autosomal recessive severe congenital neutropenia type 3. Last evaluated: 2019-10-28. Review status: no assertion criteria provided. Collection method: clinical testing. Allele origin: germline. Not counted in ClinVar's aggregate classification.

NM_006118.4(HAX1):c.593C>T (p.Pro198Leu)

Gene: HAX1 (HCLS1 associated protein X-1; plus strand). Cytogenetic location: 1q21.3.
Variant type: single nucleotide variant.
Coding change: c.593C>T on transcript NM_006118.4 (MANE Select); coding-DNA position 593, C replaced by T.
Protein change: p.Pro198Leu; replaces proline 198 with leucine.
Molecular consequence: missense variant.
Genome position (GRCh38, 1-based): chr1:154,275,190, C>T. VCF-style: chr1-154275190-C-T. GRCh37 (hg19) VCF-style: chr1-154247666-C-T.
Other names: c.449C>T, p.Pro150Leu (NM_001018837.2); short protein forms P198L, P150L.
Identifiers: ClinVar variation 292707 (VCV000292707.21), dbSNP rs146152769, ClinGen allele CA1127412.